The following is an entry in ClinVar:

ClinVar aggregate classification (germline): Likely benign (0 of 4 stars; one submission).

Conditions:
MYRF-related disorder. Also called: MYRF-related disorders; MYRF-related condition.

Submission:

PreventionGenetics, part of Exact Sciences
Classification: Likely benign for MYRF-related condition. Last evaluated: 2020-01-12. Review status: no assertion criteria provided. Collection method: clinical testing. Allele origin: germline.
Comment: This variant is classified as likely benign based on ACMG/AMP sequence variant interpretation guidelines (Richards et al. 2015 PMID: 25741868, with internal and published modifications).

NM_001127392.3(MYRF):c.2014-34TGGCCCA[5]

Gene: MYRF (myelin regulatory factor; plus strand). Cytogenetic location: 11q12.2.
Variant type: Microsatellite.
Coding change: c.2014-34TGGCCCA[5] on transcript NM_001127392.3 (MANE Select); five copies in a row of the 7-base unit TGGCCCA starting at c.2014-34.
Molecular consequence: intron variant.
Genome position: GRCh38 VCF-style: chr11-61779228-T-TTGGCCCA. GRCh37 (hg19) VCF-style: chr11-61546700-T-TTGGCCCA.
Other names: c.1987-34TGGCCCA[5] (NM_013279.4).
Identifiers: ClinVar variation 3052701 (VCV003052701.2), dbSNP rs534400107, ClinGen allele CA6038035.